The following is an entry in ClinVar:

NM_000059.4(BRCA2):c.2698A>G (p.Asn900Asp)

Gene: BRCA2 (BRCA2 DNA repair associated; plus strand). Cytogenetic location: 13q13.1.
Variant type: single nucleotide variant.
Coding change: c.2698A>G on transcript NM_000059.4 (MANE Select); coding-DNA position 2698, A replaced by G.
Protein change: p.Asn900Asp; replaces asparagine 900 with aspartic acid.
Molecular consequence: missense variant.
Genome position (GRCh38, 1-based): chr13:32,337,053, A>G. VCF-style: chr13-32337053-A-G. GRCh37 (hg19) VCF-style: chr13-32911190-A-G.
Other names: short protein forms N900D.
Identifiers: ClinVar variation 51328 (VCV000051328.71), dbSNP rs55736268, ClinGen allele CA016090.
Genomic context (GRCh38, chr13:32,337,053, plus strand): 5'-GAAGAACTTTTCTCAGACAATGAGAATAATTTTGTCTTCCAAGTAGCTAATGAAAGGAAT[A>G]ATCTTGCTTTAGGAAATACTAAGGAACTTCATGAAACAGACTTGACTTGTGTAAACGAAC-3'
Protein context (NP_000050.3, residues 890-910): FVFQVANERN[Asn900Asp]LALGNTKELH

ClinVar aggregate classification (germline): Benign. Review status: reviewed by expert panel (3 of 4 stars). 13 submissions from 13 submitters: Benign (1). 12 of the submissions do not count toward it. Last evaluated 2019-06-18.

Conditions:
Hereditary breast ovarian cancer syndrome. Also called: Hereditary breast and ovarian cancer syndrome; Hereditary breast and ovarian cancer; Hereditary breast and ovarian cancer syndrome (HBOC); Breast and ovarian cancer; Hereditary breast and/or ovarian cancer syndrome; BRCA1- and BRCA2-Associated Hereditary Breast and Ovarian Cancer. Identifiers: Orphanet 145, MedGen C0677776, MeSH D061325, MONDO:0003582. Disease mechanism: loss of function.
BRCA2-related disorder. Also called: BRCA2-related condition; BRCA2-related disorders. Identifiers: MedGen CN239275.
Breast-ovarian cancer, familial, susceptibility to, 2 (BROVCA2). Also called: BRCA2 Hereditary Breast and Ovarian Cancer. Identifiers: Orphanet 145, MedGen C2675520, MONDO:0012933, OMIM 612555. Disease mechanism: loss of function.
Inherited breast cancer and ovarian cancer.
Hereditary cancer-predisposing syndrome. Also called: Neoplastic Syndromes, Hereditary; Tumor predisposition; Hereditary Cancer Syndrome; Hereditary neoplastic syndrome. Identifiers: Orphanet 140162, MedGen C0027672, MeSH D009386, MONDO:0015356.

Allele frequency attached by ClinVar (database versions not stated): gnomAD 0.00001 and 0.00002; gnomAD exomes 0.00002 and 0.00004; ExAC 0.00004; TOPMed 0.00004.
gnomAD v4.1: 32 of 1,604,596 alleles (0.002%); highest among the groups gnomAD compares: African/African-American, 0.0027%; no homozygotes.

Submissions (13):

Evidence-based Network for the Interpretation of Germline Mutant Alleles (ENIGMA)
Classification: Benign for Breast-ovarian cancer, familial, susceptibility to, 2. Last evaluated: 2019-06-18. Review status: reviewed by expert panel. Criteria: ENIGMA BRCA1/2 Classification Criteria (2017-06-29). Collection method: curation. Allele origin: germline.
Comment: IARC class based on posterior probability from multifactorial likelihood analysis, thresholds for class as per Plon et al. 2008 (PMID: 18951446). Class 1 based on posterior probability = 0.000293

Labcorp Genetics (formerly Invitae), Labcorp
Classification: Likely benign for Hereditary breast ovarian cancer syndrome. Last evaluated: 2026-02-01. Review status: criteria provided, single submitter. Criteria: Invitae Variant Classification Sherloc (09022015). Collection method: clinical testing. Allele origin: germline. Not counted in ClinVar's aggregate classification.

Genomics and Molecular Medicine Service, East Genomic Laboratory Hub, NHS Genomic Medicine Service
Classification: Benign for Inherited breast cancer and ovarian cancer. Last evaluated: 2024-10-01. Review status: criteria provided, single submitter. Criteria: ACGS Best Practice Guidelines for Variant Classification in Rare Disease 2020. Collection method: clinical testing. Allele origin: germline. Affected: yes. Not counted in ClinVar's aggregate classification.
Comment: BP1,BP4,BP5_Strong

All of Us Research Program, National Institutes of Health
Classification: Likely benign for Breast-ovarian cancer, familial, susceptibility to, 2. Last evaluated: 2023-12-18. Review status: criteria provided, single submitter. Criteria: ACMG Guidelines, 2015. Collection method: clinical testing. Allele origin: germline. Inheritance: Autosomal dominant inheritance. Observed: 4 variant alleles, 4 heterozygotes. Not counted in ClinVar's aggregate classification.
Comment: This study involves interpretation of variants in research participants for the purpose of population health screening. Participant phenotype was not available at the time of variant classification. Additional details can be found in publication PMID: 35346344, PMCID: PMC8962531

Quest Diagnostics Nichols Institute San Juan Capistrano
Classification: Likely benign. Last evaluated: 2023-10-30. Review status: criteria provided, single submitter. Criteria: Quest Diagnostics criteria. Collection method: clinical testing. Allele origin: unknown. Not counted in ClinVar's aggregate classification.

Women's Health and Genetics/Laboratory Corporation of America, LabCorp
Classification: Benign. Last evaluated: 2022-01-27. Review status: criteria provided, single submitter. Criteria: LabCorp Variant Classification Summary - May 2015. Collection method: clinical testing. Allele origin: germline. Not counted in ClinVar's aggregate classification.
Comment: Variant summary: BRCA2 c.2698A>G (p.Asn900Asp) results in a conservative amino acid change in the encoded protein sequence. Five of five in-silico tools predict a benign effect of the variant on protein function. The variant allele was found at a frequency of 4.1e-05 in 242556 control chromosomes, predominantly at a frequency of 6.3e-05 within the Non-Finnish European subpopulation in the gnomAD database. The available data on variant occurrences in the general population are insufficient to allow any conclusion about variant significance. The variant, c.2698A>G, has been reported in the literature in an individuals affected with breast cancer and other tumor phenotypes (examples: Lee_2008 and Zhang_2015), but was also found in healthy controls (Dorling_2021 through LOVD). These reports do not provide unequivocal conclusions about association of the variant with Hereditary Breast and Ovarian Cancer. Co-occurrences with other pathogenic variants have been reported (BRCA1 c.68_69delAG (p.Glu23ValfsX17), and BRCA1 c.2722G>T (p.Glu908X); in two internal samples), providing supporting evidence for a benign role. Two recent reports from the CAGI5 (fifth Critical Assessment of Genome Interpretation) challenge have classified this variant as benign in a prediction protocol that includes assessment of the impact of this variant on splicing and protein function using four sets of predictors (Padilla_2019, Cline_2019). Eight other submitters, including an expert panel (ENIGMA), have provided clinical-significance assessments for this variant in ClinVar after 2014 without evidence for independent evaluation, and classified the variant as VUS (n=3), likely benign (n=4), while the expert panel classified the variant as benign. Based on the evidence outlined above, the variant was classified as benign.

GeneDx
Classification: Likely benign. Last evaluated: 2020-11-30. Review status: criteria provided, single submitter. Criteria: GeneDx Variant Classification Process June 2021. Collection method: clinical testing. Allele origin: germline. Affected: yes. Not counted in ClinVar's aggregate classification.
Comment: This variant is associated with the following publications: (PMID: 18284688, 23929434, 20167696, 28843361, 26580448, 31131967)

Ambry Genetics
Classification: Likely benign for Hereditary cancer-predisposing syndrome. Last evaluated: 2019-03-29. Review status: criteria provided, single submitter. Criteria: Ambry Variant Classification Scheme 2023. Collection method: clinical testing. Allele origin: germline. Not counted in ClinVar's aggregate classification.

Color Diagnostics, LLC DBA Color Health
Classification: Likely benign for Hereditary cancer-predisposing syndrome. Last evaluated: 2016-02-23. Review status: criteria provided, single submitter. Criteria: ACMG Guidelines, 2015. Collection method: clinical testing. Allele origin: germline. Not counted in ClinVar's aggregate classification.

PreventionGenetics, part of Exact Sciences
Classification: Likely benign for BRCA2-related condition. Last evaluated: 2024-04-01. Review status: no assertion criteria provided. Collection method: clinical testing. Allele origin: germline. Not counted in ClinVar's aggregate classification.
Comment: This variant is classified as likely benign based on ACMG/AMP sequence variant interpretation guidelines (Richards et al. 2015 PMID: 25741868, with internal and published modifications).

Institute for Biomarker Research, Medical Diagnostic Laboratories, L.L.C.
Classification: Uncertain significance for Hereditary breast ovarian cancer syndrome. Last evaluated: 2021-09-27. Review status: no assertion criteria provided. Collection method: clinical testing. Allele origin: germline. Not counted in ClinVar's aggregate classification.

Counsyl
Classification: Uncertain significance for Breast-ovarian cancer, familial, susceptibility to, 2. Last evaluated: 2016-06-14. Review status: no assertion criteria provided. Collection method: clinical testing. Allele origin: unknown. Not counted in ClinVar's aggregate classification.

Breast Cancer Information Core (BIC) (BRCA2)
Classification: Uncertain significance for Breast-ovarian cancer, familial 2. Last evaluated: 2003-12-23. Review status: no assertion criteria provided. Collection method: clinical testing. Allele origin: germline. Affected: yes. Observed: 2 variant alleles. Not counted in ClinVar's aggregate classification.

Literature cited by the submitters: PubMed 31131967 (cited by 3 submitters); PubMed 26580448 (cited by 3 submitters); PubMed 18284688 (cited by 3 submitters); PubMed 33471991 (cited by Quest Diagnostics Nichols Institute San Juan Capistrano and Women's Health and Genetics/Laboratory Corporation of America, LabCorp); PubMed 23929434 (cited by 3 submitters); PubMed 20167696 (cited by Women's Health and Genetics/Laboratory Corporation of America, LabCorp); PubMed 31112341 (cited by Women's Health and Genetics/Laboratory Corporation of America, LabCorp); PubMed 31294896 (cited by Women's Health and Genetics/Laboratory Corporation of America, LabCorp).